The following is an entry in ClinVar:

ClinVar aggregate classification (germline): Uncertain significance (0 of 4 stars; one submission).

Conditions:
GP1BB-related disorder. Also called: GP1BB-related condition.

gnomAD v4.1: 171 of 1,542,170 alleles (0.011%); highest among the groups gnomAD compares: Non-Finnish European, 0.014%; no homozygotes.

Submission:

PreventionGenetics, part of Exact Sciences
Classification: Uncertain significance for GP1BB-related condition. Last evaluated: 2024-08-04. Review status: no assertion criteria provided. Collection method: clinical testing. Allele origin: germline.
Comment: The GP1BB c.612C>G variant is predicted to result in the amino acid substitution p.Asp204Glu. To our knowledge, this variant has not been reported in the literature. This variant is reported in 0.0093% of alleles in individuals of European (Non-Finnish) descent in gnomAD. At this time, the clinical significance of this variant is uncertain due to the absence of conclusive functional and genetic evidence.

NM_000407.5(GP1BB):c.612C>G (p.Asp204Glu)

Genes: GP1BB (glycoprotein Ib platelet subunit beta; plus strand), SEPT5-GP1BB (SEPT5-GP1BB readthrough; plus strand). Cytogenetic location: 22q11.21.
Variant type: single nucleotide variant.
Coding change: c.612C>G on transcript NM_000407.5 (MANE Select); coding-DNA position 612, C replaced by G.
Protein change: p.Asp204Glu; replaces aspartic acid 204 with glutamic acid.
Molecular consequence: missense variant. On other transcripts: non-coding transcript variant (2).
Genome position (GRCh38, 1-based): chr22:19,724,455, C>G. VCF-style: chr22-19724455-C-G. GRCh37 (hg19) VCF-style: chr22-19711978-C-G.
Other names: short protein forms D204E.
Identifiers: ClinVar variation 3352373 (VCV003352373.1).